The following is an entry in ClinVar:

NM_001397992.1(IL12A):c.529G>A (p.Val177Met)

Genes: IL12A (interleukin 12A; plus strand), IL12A-AS1 (IL12A antisense RNA 1; minus strand). Cytogenetic location: 3q25.33.
Variant type: single nucleotide variant.
Coding change: c.529G>A on transcript NM_001397992.1 (MANE Select); coding-DNA position 529, G replaced by A.
Protein change: p.Val177Met; replaces valine 177 with methionine.
Molecular consequence: missense variant.
Genome position (GRCh38, 1-based): chr3:159,995,428, G>A. VCF-style: chr3-159995428-G-A. GRCh37 (hg19) VCF-style: chr3-159713215-G-A.
Other names: c.631G>A, p.Val211Met (NM_000882.4); c.589G>A, p.Val197Met (NM_001354582.2); c.517G>A, p.Val173Met (NM_001354583.2); short protein forms V173M, V197M, V211M, V177M.
Identifiers: ClinVar variation 708885 (VCV000708885.29), dbSNP rs35990253, ClinGen allele CA2684767.

ClinVar aggregate classification (germline): Benign. Review status: criteria provided, multiple submitters, no conflicts (2 of 4 stars). 3 submissions from 3 submitters: Benign (3). Last evaluated 2026-06-01.

Allele frequency attached by ClinVar (database versions not stated): gnomAD exomes 0.00206 and 0.00352; ExAC 0.00359; ESP Exome Variant Server 0.00800; 1000 Genomes Project 0.00879; gnomAD 0.00927 and 0.00997; 1000 Genomes Project 30x 0.01015; TOPMed 0.01057.
gnomAD v4.1: 4,590 of 1,606,752 alleles (0.29%); highest among the groups gnomAD compares: African/African-American, 2.6%; 46 homozygotes.

Submissions (3):

CeGaT Center for Human Genetics Tuebingen
Classification: Benign. Last evaluated: 2026-06-01. Review status: criteria provided, single submitter. Criteria: CeGaT Center For Human Genetics Tuebingen Variant Classification Criteria Version 2. Collection method: clinical testing. Allele origin: germline. Affected: yes. Observed: 3 variant alleles.
Comment: IL12A: BP4, BS1, BS2

Labcorp Genetics (formerly Invitae), Labcorp
Classification: Benign. Last evaluated: 2019-12-31. Review status: criteria provided, single submitter. Criteria: Invitae Variant Classification Sherloc (09022015). Collection method: clinical testing. Allele origin: germline.

Breakthrough Genomics
Classification: Benign. Review status: criteria provided, single submitter. Criteria: ACMG Guidelines, 2015. Collection method: not provided. Allele origin: germline. Inheritance: Unknown mechanism. Affected: yes.